The following is an entry in ClinVar:

ClinVar aggregate classification (germline): Pathogenic (1 of 4 stars; one submission).

Allele frequency attached by ClinVar (database versions not stated): gnomAD exomes below 0.00001.
gnomAD v4.1: 1 of 1,610,388 alleles (0.000062%); highest among the groups gnomAD compares: Non-Finnish European, 0.000085%; no homozygotes.

Submission:

Labcorp Genetics (formerly Invitae), Labcorp
Classification: Pathogenic. Last evaluated: 2023-11-07. Review status: criteria provided, single submitter. Criteria: Invitae Variant Classification Sherloc (09022015). Collection method: clinical testing. Allele origin: germline.
Comment: This sequence change creates a premature translational stop signal (p.Trp48*) in the C9 gene. It is expected to result in an absent or disrupted protein product. Loss-of-function variants in C9 are known to be pathogenic (PMID: 9144525, 9570574). This variant is not present in population databases (gnomAD no frequency). This variant has not been reported in the literature in individuals affected with C9-related conditions. Algorithms developed to predict the effect of sequence changes on RNA splicing suggest that this variant may disrupt the consensus splice site. For these reasons, this variant has been classified as Pathogenic.

Literature cited by the submitters: PubMed 9144525; PubMed 9570574.

NM_001737.5(C9):c.143G>A (p.Trp48Ter)

Gene: C9 (complement C9; minus strand). Cytogenetic location: 5p13.1.
Variant type: single nucleotide variant.
Coding change: c.143G>A on transcript NM_001737.5 (MANE Select); coding-DNA position 143, G replaced by A.
Protein change: p.Trp48Ter; replaces tryptophan 48 with a stop codon.
Molecular consequence: nonsense.
Genome position (GRCh38, 1-based): chr5:39,342,131, C>T on the plus strand (G>A on the coding strand, the complement: C9 is on the minus strand). VCF-style: chr5-39342131-C-T. GRCh37 (hg19) VCF-style: chr5-39342233-C-T.
Other names: short protein forms W48*.
Identifiers: ClinVar variation 2771601 (VCV002771601.3), dbSNP rs1041910675, ClinGen allele CA117187935.